The following is an entry in ClinVar:

NM_020921.4(NIN):c.1654G>C (p.Asp552His)

Gene: NIN (ninein; minus strand). Cytogenetic location: 14q22.1.
Variant type: single nucleotide variant.
Coding change: c.1654G>C on transcript NM_020921.4 (MANE Select); coding-DNA position 1654, G replaced by C.
Protein change: p.Asp552His; replaces aspartic acid 552 with histidine.
Molecular consequence: missense variant.
Genome position (GRCh38, 1-based): chr14:50,763,946, C>G on the plus strand (G>C on the coding strand, the complement: NIN is on the minus strand). VCF-style: chr14-50763946-C-G. GRCh37 (hg19) VCF-style: chr14-51230664-C-G.
Other names: c.1654G>C, p.Asp552His (NM_016350.5, NM_182944.3, NM_182946.2); short protein forms D552H.
Identifiers: ClinVar variation 1396313 (VCV001396313.6), dbSNP rs2141688367, ClinGen allele CA389704220.

ClinVar aggregate classification (germline): Uncertain significance (1 of 4 stars; one submission).

Submission:

Labcorp Genetics (formerly Invitae), Labcorp
Classification: Uncertain significance. Last evaluated: 2021-12-03. Review status: criteria provided, single submitter. Criteria: Invitae Variant Classification Sherloc (09022015). Collection method: clinical testing. Allele origin: germline.
Comment: In summary, the available evidence is currently insufficient to determine the role of this variant in disease. Therefore, it has been classified as a Variant of Uncertain Significance. Algorithms developed to predict the effect of missense changes on protein structure and function (SIFT, PolyPhen-2, Align-GVGD) all suggest that this variant is likely to be disruptive. This variant has not been reported in the literature in individuals affected with NIN-related conditions. This variant is not present in population databases (gnomAD no frequency). This sequence change replaces aspartic acid, which is acidic and polar, with histidine, which is basic and polar, at codon 552 of the NIN protein (p.Asp552His).